The following is an entry in ClinVar:

NM_033656.4(BRWD1):c.2256-12T>G

Gene: BRWD1 (bromodomain and WD repeat domain containing 1; minus strand). Cytogenetic location: 21q22.2.
Variant type: single nucleotide variant.
Coding change: c.2256-12T>G on transcript NM_033656.4 (MANE Select); 12 bases into the intron before coding-DNA position 2256, T replaced by G.
Molecular consequence: intron variant.
Genome position (GRCh38, 1-based): chr21:39,250,901, A>C on the plus strand (T>G on the coding strand, the complement: BRWD1 is on the minus strand). VCF-style: chr21-39250901-A-C. GRCh37 (hg19) VCF-style: chr21-40622827-A-C.
Other names: c.2256-12T>G (NM_018963.5).
Identifiers: ClinVar variation 507001 (VCV000507001.1), dbSNP rs1555862207, ClinGen allele CA658799447.

ClinVar aggregate classification (germline): Likely benign (1 of 4 stars; one submission).

Submission:

GeneDx
Classification: Likely benign. Last evaluated: 2017-02-05. Review status: criteria provided, single submitter. Criteria: GeneDx Variant Classification (06012015). Collection method: clinical testing. Allele origin: germline. Affected: yes.
Comment: This variant is considered likely benign or benign based on one or more of the following criteria: it is a conservative change, it occurs at a poorly conserved position in the protein, it is predicted to be benign by multiple in silico algorithms, and/or has population frequency not consistent with disease.